The following is an entry in ClinVar:

NM_032581.4(HYCC1):c.*2976G>T

Gene: HYCC1 (hyccin PI4KA lipid kinase complex subunit 1; minus strand). Cytogenetic location: 7p15.3.
Variant type: single nucleotide variant.
Coding change: c.*2976G>T on transcript NM_032581.4 (MANE Select); 2976 bases downstream of the stop codon, G replaced by T.
Molecular consequence: 3 prime UTR variant.
Genome position (GRCh38, 1-based): chr7:22,942,613, C>A on the plus strand (G>T on the coding strand, the complement: HYCC1 is on the minus strand). VCF-style: chr7-22942613-C-A. GRCh37 (hg19) VCF-style: chr7-22982232-C-A.
Other names: c.*3578G>T (NM_001363466.2); c.*3536G>T (NM_001363467.2).
Identifiers: ClinVar variation 359726 (VCV000359726.5), dbSNP rs17725943, ClinGen allele CA10623658.

ClinVar aggregate classification (germline): Benign (1 of 4 stars; one submission).

Conditions:
Hypomyelination and Congenital Cataract (HLD5). Also called: hypomyelinating leukodystrophy 5. Identifiers: Orphanet 85163, MedGen C1864663, MONDO:0012514, OMIM 610532.

Allele frequency attached by ClinVar (database versions not stated): 1000 Genomes Project 30x 0.03576; 1000 Genomes Project 0.03714; TOPMed 0.04319; gnomAD 0.04950 and 0.05040.

Submission:

Illumina Laboratory Services, Illumina
Classification: Benign for Hypomyelination and Congenital Cataract. Last evaluated: 2018-01-13. Review status: criteria provided, single submitter. Criteria: ICSL Variant Classification Criteria 13 December 2019. Collection method: clinical testing. Allele origin: germline.
Comment: This variant was observed in the ICSL laboratory as part of a predisposition screen in an ostensibly healthy population. It had not been previously curated by ICSL or reported in the Human Gene Mutation Database (HGMD: prior to June 1st, 2018), and was therefore a candidate for classification through an automated scoring system. Utilizing variant allele frequency, disease prevalence and penetrance estimates, and inheritance mode, an automated score was calculated to assess if this variant is too frequent to cause the disease. Based on the score and internal cut-off values, a variant classified as benign is not then subjected to further curation. The score for this variant resulted in a classification of benign for this disease.